The following is an entry in ClinVar:

ClinVar aggregate classification (germline): Uncertain significance (0 of 4 stars; one submission).

Conditions:
KANSL1-related disorder. Also called: KANSL1-related condition.

gnomAD v4.1: 3 of 1,613,920 alleles (0.00019%); highest among the groups gnomAD compares: Non-Finnish European, 0.00025%; no homozygotes.

Submission:

PreventionGenetics, part of Exact Sciences
Classification: Uncertain significance for KANSL1-related condition. Last evaluated: 2024-03-15. Review status: no assertion criteria provided. Collection method: clinical testing. Allele origin: germline.
Comment: The KANSL1 c.2533A>G variant is predicted to result in the amino acid substitution p.Ser845Gly. To our knowledge, this variant has not been reported in the literature or in a large population database, indicating this variant is rare. At this time, the clinical significance of this variant is uncertain due to the absence of conclusive functional and genetic evidence.

NM_015443.4(KANSL1):c.2533A>G (p.Ser845Gly)

Gene: KANSL1 (KAT8 regulatory NSL complex subunit 1). Cytogenetic location: 17q21.31.
Variant type: single nucleotide variant.
Coding change: c.2533A>G on transcript NM_015443.4 (MANE Select); coding-DNA position 2533, A replaced by G.
Protein change: p.Ser845Gly; replaces serine 845 with glycine.
Molecular consequence: missense variant.
Genome position (GRCh38, 1-based): chr17:46,038,546, T>C on the plus strand (A>G on the coding strand, the complement: KANSL1 is on the minus strand). VCF-style: chr17-46038546-T-C. GRCh37 (hg19) VCF-style: chr17-44115912-T-C.
Other names: c.2533A>G, p.Ser845Gly (NM_001193465.2, NM_001193466.2, NM_001379198.1 and 8 more transcripts); c.2431A>G, p.Ser811Gly (NM_001405859.1, NM_001405860.1, NM_001405861.1 and 1 more transcripts); c.2344A>G, p.Ser782Gly (NM_001405875.1, NM_001405876.1, NM_001405877.1 and 3 more transcripts); c.1267A>G, p.Ser423Gly (NM_001405882.1, NM_001405883.1); c.1078A>G, p.Ser360Gly (NM_001405884.1, NM_001405885.1); short protein forms S360G, S423G, S782G, S811G, S845G.
Identifiers: ClinVar variation 3355876 (VCV003355876.1).